The following is an entry in ClinVar:

ClinVar aggregate classification (germline): Pathogenic (1 of 4 stars; one submission).

Submission:

Labcorp Genetics (formerly Invitae), Labcorp
Classification: Pathogenic. Last evaluated: 2021-06-25. Review status: criteria provided, single submitter. Criteria: Invitae Variant Classification Sherloc (09022015). Collection method: clinical testing. Allele origin: germline.
Comment: This variant has not been reported in the literature in individuals with FAM161A-related conditions. This variant is not present in population databases (ExAC no frequency). This sequence change creates a premature translational stop signal (p.Glu602Lysfs*4) in the FAM161A gene. It is expected to result in an absent or disrupted protein product. Loss-of-function variants in FAM161A are known to be pathogenic (PMID: 20705278, 20705279, 24651477). For these reasons, this variant has been classified as Pathogenic.

Literature cited by the submitters: PubMed 20705278; PubMed 20705279; PubMed 24651477.

NM_001201543.2(FAM161A):c.1803del (p.Glu602fs)

Gene: FAM161A (FAM161 centrosomal protein A; minus strand). Cytogenetic location: 2p15.
Variant type: Deletion.
Coding change: c.1803del on transcript NM_001201543.2 (MANE Select); coding-DNA position 1803, one base deleted (A; older notation c.1803delA).
Protein change: p.Glu602fs; shifts the reading frame from glutamic acid 602.
Molecular consequence: frameshift variant. On other transcripts: non-coding transcript variant (1).
Genome position (GRCh38, 1-based): chr2:61,836,058, T deleted on the plus strand (A on the coding strand, the reverse complement: FAM161A is on the minus strand). VCF-style (leftmost placement, unchanged base first): chr2-61836057-CT-C. GRCh37 (hg19) VCF-style: chr2-62063192-CT-C.
Other names: c.1635del, p.Glu546fs (NM_032180.3); short protein forms E546fs, E602fs.
Identifiers: ClinVar variation 944122 (VCV000944122.7), dbSNP rs1672760852, ClinGen allele CA1139657057.
Genomic context (GRCh38, chr2:61,836,057, plus strand): 5'-CAATAAACACAACCTGAGCAACTCTTTCAAATAGCAGTGGCCTCTTTTTTAATTTTTCTT[CT>C]CTTTCTTCTAGTTCTCGTTGGTATTCTCTCATCCTTTCCTTTTCGCTCTTTCTAAAATTA-3'